The following is an entry in ClinVar:

ClinVar aggregate classification (germline): Uncertain significance. Review status: criteria provided, multiple submitters, no conflicts (2 of 4 stars). 2 submissions from 2 submitters: Uncertain significance (2). Last evaluated 2022-07-26.

Allele frequency attached by ClinVar (database versions not stated): TOPMed 0.00006; gnomAD 0.00007 and 0.00008; gnomAD exomes 0.00007 and 0.00011; ESP Exome Variant Server 0.00008; ExAC 0.00011.
gnomAD v4.1: 112 of 1,613,874 alleles (0.0069%); highest among the groups gnomAD compares: Non-Finnish European, 0.0092%; no homozygotes.

Submissions (2):

Labcorp Genetics (formerly Invitae), Labcorp
Classification: Uncertain significance. Last evaluated: 2022-07-26. Review status: criteria provided, single submitter. Criteria: Invitae Variant Classification Sherloc (09022015). Collection method: clinical testing. Allele origin: germline.
Comment: This sequence change replaces aspartic acid, which is acidic and polar, with glutamic acid, which is acidic and polar, at codon 282 of the ARFGEF2 protein (p.Asp282Glu). This variant is present in population databases (rs368886420, gnomAD 0.02%). This variant has not been reported in the literature in individuals affected with ARFGEF2-related conditions. ClinVar contains an entry for this variant (Variation ID: 434273). Algorithms developed to predict the effect of missense changes on protein structure and function output the following: SIFT: "Tolerated"; PolyPhen-2: "Benign"; Align-GVGD: "Class C0". The glutamic acid amino acid residue is found in multiple mammalian species, which suggests that this missense change does not adversely affect protein function. In summary, the available evidence is currently insufficient to determine the role of this variant in disease. Therefore, it has been classified as a Variant of Uncertain Significance.

Genetic Services Laboratory, University of Chicago
Classification: Uncertain significance. Last evaluated: 2016-07-22. Review status: criteria provided, single submitter. Criteria: ACMG Guidelines, 2015. Collection method: clinical testing. Allele origin: germline. Affected: no.

NM_006420.3(ARFGEF2):c.846T>A (p.Asp282Glu)

Gene: ARFGEF2 (ARF guanine nucleotide exchange factor 2; plus strand). Cytogenetic location: 20q13.13.
Variant type: single nucleotide variant.
Coding change: c.846T>A on transcript NM_006420.3 (MANE Select); coding-DNA position 846, T replaced by A.
Protein change: p.Asp282Glu; replaces aspartic acid 282 with glutamic acid.
Molecular consequence: missense variant.
Genome position (GRCh38, 1-based): chr20:48,963,837, T>A. VCF-style: chr20-48963837-T-A. GRCh37 (hg19) VCF-style: chr20-47580374-T-A.
Other names: short protein forms D282E.
Identifiers: ClinVar variation 434273 (VCV000434273.10), dbSNP rs368886420, ClinGen allele CA9898261.
Genomic context (GRCh38, chr20:48,963,837, plus strand): 5'-TGTTTTTCCTGAAAATGCCCACGTGTGTTTTGTATATTTGGATGTGTGTGTAGGGACTGA[T>A]GACGGAGCCCAGGAGGTGGTGAAGGACATCTTGGAAGATGTAGTCACATCTGCCATTAAA-3'
Protein context (NP_006411.2, residues 272-292): RERGSSLSGT[Asp282Glu]DGAQEVVKDI